The following is an entry in ClinVar:

ClinVar aggregate classification (germline): Uncertain significance. Review status: criteria provided, multiple submitters, no conflicts (2 of 4 stars). 2 submissions from 2 submitters: Uncertain significance (2). Last evaluated 2025-09-26.

Conditions:
Inborn genetic diseases. Identifiers: MedGen C0950123, MeSH D030342.

Allele frequency attached by ClinVar (database versions not stated): gnomAD 0.00001; gnomAD exomes 0.00001; TOPMed 0.00001.

Submissions (2):

Ambry Genetics
Classification: Uncertain significance for Inborn genetic diseases. Last evaluated: 2025-09-26. Review status: criteria provided, single submitter. Criteria: Ambry Variant Classification Scheme 2023. Collection method: clinical testing. Allele origin: germline.

Labcorp Genetics (formerly Invitae), Labcorp
Classification: Uncertain significance. Last evaluated: 2022-11-15. Review status: criteria provided, single submitter. Criteria: Invitae Variant Classification Sherloc (09022015). Collection method: clinical testing. Allele origin: germline.
Comment: This variant has not been reported in the literature in individuals affected with SMARCD2-related conditions. This variant is not present in population databases (gnomAD no frequency). This sequence change replaces arginine, which is basic and polar, with cysteine, which is neutral and slightly polar, at codon 118 of the SMARCD2 protein (p.Arg118Cys). Advanced modeling of protein sequence and biophysical properties (such as structural, functional, and spatial information, amino acid conservation, physicochemical variation, residue mobility, and thermodynamic stability) performed at Invitae indicates that this missense variant is expected to disrupt SMARCD2 protein function. In summary, the available evidence is currently insufficient to determine the role of this variant in disease. Therefore, it has been classified as a Variant of Uncertain Significance.

NM_001098426.2(SMARCD2):c.352C>T (p.Arg118Cys)

Gene: SMARCD2 (SWI/SNF related BAF chromatin remodeling complex subunit D2; minus strand). Cytogenetic location: 17q23.3.
Variant type: single nucleotide variant.
Coding change: c.352C>T on transcript NM_001098426.2 (MANE Select); coding-DNA position 352, C replaced by T.
Protein change: p.Arg118Cys; replaces arginine 118 with cysteine.
Molecular consequence: missense variant.
Genome position (GRCh38, 1-based): chr17:63,837,490, G>A on the plus strand (C>T on the coding strand, the complement: SMARCD2 is on the minus strand). VCF-style: chr17-63837490-G-A. GRCh37 (hg19) VCF-style: chr17-61914850-G-A.
Other names: c.352C>T (NM_001098426.1); c.127C>T, p.Arg43Cys (NM_001330439.1); c.208C>T, p.Arg70Cys (NM_001330440.2); short protein forms R118C, R43C, R70C.
Identifiers: ClinVar variation 2419471 (VCV002419471.5), dbSNP rs777220558, ClinGen allele CA292954742.
Genomic context (GRCh38, chr17:63,837,490, plus strand): 5'-GATGCTCTTACCCCCGGCGCTGGGCAGGCATGGGAGGCTGCGCCTGGGGCACAAGCAGGC[G>A]TTTTCGGAATGGATCCATCATGGTGGGTGGCATGCCAGGTCGAAGCGGAGCTGCTGCACC-3'
Protein context (NP_001091896.1, residues 108-128): PPTMMDPFRK[Arg118Cys]LLVPQAQPPM